The following is an entry in ClinVar:

NM_004360.5(CDH1):c.1728T>G (p.Thr576=)

Gene: CDH1 (cadherin 1; plus strand). Cytogenetic location: 16q22.1.
Variant type: single nucleotide variant.
Coding change: c.1728T>G on transcript NM_004360.5 (MANE Select); coding-DNA position 1728, T replaced by G.
Protein change: p.Thr576=; no amino-acid change (threonine 576 retained).
Molecular consequence: synonymous variant. On other transcripts: 5 prime UTR variant (1).
Genome position (GRCh38, 1-based): chr16:68,822,017, T>G. VCF-style: chr16-68822017-T-G. GRCh37 (hg19) VCF-style: chr16-68855920-T-G.
Other names: c.1545T>G, p.Thr515= (NM_001317184.2); c.180T>G, p.Thr60= (NM_001317185.2); c.-238T>G (NM_001317186.2).
Identifiers: ClinVar variation 2001319 (VCV002001319.6), dbSNP rs786203525, ClinGen allele CA496392507.

ClinVar aggregate classification (germline): Benign/Likely benign. Review status: criteria provided, multiple submitters, no conflicts (2 of 4 stars). 3 submissions from 3 submitters: Benign (1); Likely benign (2). Last evaluated 2025-10-03.

Conditions:
Hereditary cancer-predisposing syndrome. Also called: Hereditary Cancer Syndrome; Tumor predisposition; Hereditary neoplastic syndrome; Neoplastic Syndromes, Hereditary. Identifiers: Orphanet 140162, MedGen C0027672, MeSH D009386, MONDO:0015356.
Hereditary diffuse gastric adenocarcinoma (HDGC). Also called: DIFFUSE GASTRIC AND LOBULAR BREAST CANCER SYNDROME. Identifiers: Orphanet 26106, MedGen C1708349, MONDO:0007648, OMIM 137215.

Submissions (3):

Ambry Genetics
Classification: Likely benign for Hereditary cancer-predisposing syndrome. Last evaluated: 2025-10-03. Review status: criteria provided, single submitter. Criteria: Ambry Variant Classification Scheme 2023. Collection method: clinical testing. Allele origin: germline.

Myriad Genetics, Inc.
Classification: Benign for Hereditary diffuse gastric adenocarcinoma. Last evaluated: 2024-09-19. Review status: criteria provided, single submitter. Criteria: Myriad Autosomal Dominant, Autosomal Recessive and X-Linked Classification Criteria (2023). Collection method: clinical testing. Allele origin: unknown.
Comment: This variant is considered benign. This variant is a silent/synonymous amino acid change and it is not expected to impact splicing.

Labcorp Genetics (formerly Invitae), Labcorp
Classification: Likely benign for Hereditary diffuse gastric adenocarcinoma. Last evaluated: 2023-05-31. Review status: criteria provided, single submitter. Criteria: Invitae Variant Classification Sherloc (09022015). Collection method: clinical testing. Allele origin: germline.